The following is an entry in ClinVar:

NM_001364857.2(ADGRB2):c.4093G>A (p.Gly1365Ser)

Gene: ADGRB2 (adhesion G protein-coupled receptor B2; minus strand). Cytogenetic location: 1p35.2.
Variant type: single nucleotide variant.
Coding change: c.4093G>A on transcript NM_001364857.2 (MANE Select); coding-DNA position 4093, G replaced by A.
Protein change: p.Gly1365Ser; replaces glycine 1365 with serine.
Molecular consequence: missense variant.
Genome position (GRCh38, 1-based): chr1:31,731,087, C>T on the plus strand (G>A on the coding strand, the complement: ADGRB2 is on the minus strand). VCF-style: chr1-31731087-C-T. GRCh37 (hg19) VCF-style: chr1-32196688-C-T.
Other names: c.4093G>A (NM_001703.2); c.4093G>A, p.Gly1365Ser (NM_001294335.2); c.3994G>A, p.Gly1332Ser (NM_001294336.2); short protein forms G1365S, G1332S.
Identifiers: ClinVar variation 1473149 (VCV001473149.7), dbSNP rs751030662, ClinGen allele CA735146.

ClinVar aggregate classification (germline): Conflicting classifications of pathogenicity. Review status: criteria provided, conflicting classifications (1 of 4 stars). 2 submissions from 2 submitters: Uncertain significance (1); Likely benign (1). Last evaluated 2023-12-30.

Allele frequency attached by ClinVar (database versions not stated): gnomAD exomes 0.00004 and 0.00006; ExAC 0.00009; gnomAD 0.00016; TOPMed 0.00019.
gnomAD v4.1: 79 of 1,574,366 alleles (0.005%); highest among the groups gnomAD compares: African/African-American, 0.045%; no homozygotes.

Submissions (2):

Ambry Genetics
Classification: Likely benign. Last evaluated: 2023-12-30. Review status: criteria provided, single submitter. Criteria: Ambry Variant Classification Scheme 2023. Collection method: clinical testing. Allele origin: germline.

Labcorp Genetics (formerly Invitae), Labcorp
Classification: Uncertain significance. Last evaluated: 2022-08-23. Review status: criteria provided, single submitter. Criteria: Invitae Variant Classification Sherloc (09022015). Collection method: clinical testing. Allele origin: germline.
Comment: ClinVar contains an entry for this variant (Variation ID: 1473149). This variant has not been reported in the literature in individuals affected with ADGRB2-related conditions. This variant is present in population databases (rs751030662, gnomAD 0.04%). This sequence change replaces glycine, which is neutral and non-polar, with serine, which is neutral and polar, at codon 1332 of the ADGRB2 protein (p.Gly1332Ser). In summary, the available evidence is currently insufficient to determine the role of this variant in disease. Therefore, it has been classified as a Variant of Uncertain Significance. Algorithms developed to predict the effect of missense changes on protein structure and function output the following: SIFT: "Tolerated"; PolyPhen-2: "Benign"; Align-GVGD: "Class C0". The serine amino acid residue is found in multiple mammalian species, which suggests that this missense change does not adversely affect protein function.